The following is an entry in ClinVar:

ClinVar aggregate classification (germline): Likely pathogenic (1 of 4 stars; one submission).

Submission:

GeneDx
Classification: Likely pathogenic. Last evaluated: 2023-03-16. Review status: criteria provided, single submitter. Criteria: GeneDx Variant Classification Process June 2021. Collection method: clinical testing. Allele origin: germline. Affected: yes.
Comment: Apparently de novo variant in a patient with features of a CTCF-related disorder in published literature (Valverde de Morales et al., 2022); Not observed in large population cohorts (gnomAD), but observed in individuals reportedly without features of a CTCF-related disorder tested at GeneDx; In silico analysis supports that this missense variant has a deleterious effect on protein structure/function; This variant is associated with the following publications: (PMID: 36454652)

NM_006565.4(CTCF):c.1003G>A (p.Gly335Arg)

Gene: CTCF (CCCTC-binding factor; plus strand). Cytogenetic location: 16q22.1.
Variant type: single nucleotide variant.
Coding change: c.1003G>A on transcript NM_006565.4 (MANE Select); coding-DNA position 1003, G replaced by A.
Protein change: p.Gly335Arg; replaces glycine 335 with arginine.
Molecular consequence: missense variant.
Genome position (GRCh38, 1-based): chr16:67,616,795, G>A. VCF-style: chr16-67616795-G-A. GRCh37 (hg19) VCF-style: chr16-67650698-G-A.
Other names: c.19G>A, p.Gly7Arg (NM_001191022.2); c.1003G>A, p.Gly335Arg (NM_001363916.2); short protein forms G335R, G7R.
Identifiers: ClinVar variation 2446134 (VCV002446134.1), dbSNP rs2543462726, ClinGen allele CA396312103.
Genomic context (GRCh38, chr16:67,616,795, plus strand): 5'-CTTTCTCTAGGTACTCGTCCTCACAAGTGCCCAGACTGCGACATGGCCTTTGTGACCAGT[G>A]GAGAATTGGTTCGGCATCGTCGTTACAAACACACCCACGAGAAGCCATTCAAGTGTTCCA-3'
Protein context (NP_006556.1, residues 325-345): PDCDMAFVTS[Gly335Arg]ELVRHRRYKH